The following is an entry in ClinVar:

ClinVar aggregate classification (germline): Benign/Likely benign. Review status: criteria provided, multiple submitters, no conflicts (2 of 4 stars). 8 submissions from 8 submitters: Benign (6); Likely benign (1). 1 of the submissions does not count toward it. Last evaluated 2026-08-01.

Conditions:
PHOX2B-related disorder. Also called: PHOX2B-related condition.
Hereditary cancer-predisposing syndrome. Also called: Hereditary neoplastic syndrome; Hereditary Cancer Syndrome; Neoplastic Syndromes, Hereditary; Tumor predisposition. Identifiers: Orphanet 140162, MedGen C0027672, MeSH D009386, MONDO:0015356.
Haddad syndrome (OHD). Also called: Ondine-Hirschsprung disease. Identifiers: Orphanet 99803, MedGen C1859049, MONDO:0020493.

Submissions (8):

CeGaT Center for Human Genetics Tuebingen
Classification: Benign. Last evaluated: 2026-08-01. Review status: criteria provided, single submitter. Criteria: CeGaT Center For Human Genetics Tuebingen Variant Classification Criteria Version 2. Collection method: clinical testing. Allele origin: germline. Affected: yes. Observed: 16 variant alleles.
Comment: PHOX2B: BS1, BS2

Labcorp Genetics (formerly Invitae), Labcorp
Classification: Benign for Haddad syndrome. Last evaluated: 2026-01-19. Review status: criteria provided, single submitter. Criteria: Invitae Variant Classification Sherloc (09022015). Collection method: clinical testing. Allele origin: germline.

Women's Health and Genetics/Laboratory Corporation of America, LabCorp
Classification: Benign. Last evaluated: 2025-05-30. Review status: criteria provided, single submitter. Criteria: LabCorp Variant Classification Summary - May 2015. Collection method: clinical testing. Allele origin: germline.
Comment: Variant summary: PHOX2B c.756_776del21 (p.Ala254_Ala260del) results in an in-frame deletion that is predicted to remove 7 amino acids from the encoded protein. The variant allele was found at a frequency of 0.0083 in 51026 control chromosomes in the gnomAD database, including 9 homozygotes. The observed variant frequency is approximately 13.2 fold of the estimated maximal expected allele frequency for a pathogenic variant in PHOX2B causing Congenital Central Hypoventilation Syndrome phenotype (0.00063). To our knowledge, no occurrence of c.756_776del21 in individuals affected with Congenital Central Hypoventilation Syndrome and no experimental evidence demonstrating its impact on protein function have been reported. ClinVar contains an entry for this variant (Variation ID: 239593). Based on the evidence outlined above, the variant was classified as benign.

ARUP Laboratories, Molecular Genetics and Genomics, ARUP Laboratories
Classification: Benign. Last evaluated: 2022-05-04. Review status: criteria provided, single submitter. Criteria: ARUP Molecular Germline Variant Investigation Process 2021. Collection method: clinical testing. Allele origin: germline.

Sema4
Classification: Benign for Hereditary cancer-predisposing syndrome. Last evaluated: 2020-12-03. Review status: criteria provided, single submitter. Criteria: Sema4 Curation Guidelines. Collection method: curation. Allele origin: germline.

Ambry Genetics
Classification: Likely benign for Hereditary cancer-predisposing syndrome. Last evaluated: 2018-11-16. Review status: criteria provided, single submitter. Criteria: Ambry Variant Classification Scheme 2023. Collection method: clinical testing. Allele origin: germline.

GeneDx
Classification: Benign. Last evaluated: 2016-11-28. Review status: criteria provided, single submitter. Criteria: GeneDx Variant Classification (06012015). Collection method: clinical testing. Allele origin: germline. Affected: yes.
Comment: This variant is considered likely benign or benign based on one or more of the following criteria: it is a conservative change, it occurs at a poorly conserved position in the protein, it is predicted to be benign by multiple in silico algorithms, and/or has population frequency not consistent with disease.

PreventionGenetics, part of Exact Sciences
Classification: Benign for PHOX2B-related condition. Last evaluated: 2024-08-26. Review status: no assertion criteria provided. Collection method: clinical testing. Allele origin: germline. Not counted in ClinVar's aggregate classification.
Comment: This variant is classified as benign based on ACMG/AMP sequence variant interpretation guidelines (Richards et al. 2015 PMID: 25741868, with internal and published modifications).

NM_003924.4(PHOX2B):c.756_776del (p.Ala254_Ala260del)

Genes: PHOX2B (paired like homeobox 2B; minus strand), LOC110011216 (paired like homeobox 2b polyalanine repeat instability region; plus strand). Cytogenetic location: 4p13.
Variant type: Deletion.
Coding change: c.756_776del on transcript NM_003924.4 (MANE Select); coding-DNA positions 756 to 776, 21 bases deleted (GGCGGCAGCGGCAGCGGCGGC).
Protein change: p.Ala254_Ala260del.
Molecular consequence: inframe deletion.
Genome position (GRCh38, 1-based): chr4:41,745,976-41,745,996, GCCGCCGCTGCCGCTGCCGCC deleted on the plus strand (GGCGGCAGCGGCAGCGGCGGC on the coding strand, the reverse complement: PHOX2B is on the minus strand); deleting any 21 consecutive bases within chr4:41,745,976-41,746,010 gives the same sequence; the c. name uses the placement nearest the transcript's 3' end. VCF-style (leftmost placement, unchanged base first): chr4-41745975-TGCCGCCGCTGCCGCTGCCGCC-T. GRCh37 (hg19) VCF-style: chr4-41747992-TGCCGCCGCTGCCGCTGCCGCC-T.
Other names: c.756_776del21 (NM_003924.4, NM_003924.3); c.756_776delGGCGGCAGCGGCAGCGGCGGC (NM_003924.3).
Identifiers: ClinVar variation 239593 (VCV000239593.33), dbSNP rs17879189, ClinGen allele CA2901424.
Genomic context (GRCh38, chr4:41,745,975, plus strand): 5'-GGGGCCGGGGCCGGGAGCCCAGCCTTGTCCAGGGCCCCCAGCCGCAGCCAGGCCTCCAGC[TGCCGCCGCTGCCGCTGCCGCC>T]GCCGCCGCTGCCGCGGCCGCCGCCGCTGCTGCTGCGCCGCCCTTGCCGGGTTCGCCTCCC-3'